The following is an entry in ClinVar:

ClinVar aggregate classification (germline): Uncertain significance (1 of 4 stars; one submission).

Allele frequency attached by ClinVar (database versions not stated): TOPMed below 0.00001.

Submission:

GeneDx
Classification: Uncertain significance. Last evaluated: 2022-03-26. Review status: criteria provided, single submitter. Criteria: GeneDx Variant Classification Process June 2021. Collection method: clinical testing. Allele origin: germline. Affected: yes.
Comment: Not observed at significant frequency in large population cohorts (gnomAD); In silico analysis supports that this missense variant does not alter protein structure/function; Has not been previously published as pathogenic or benign to our knowledge

NM_014415.4(ZBTB11):c.994G>T (p.Asp332Tyr)

Gene: ZBTB11 (zinc finger and BTB domain containing 11; minus strand). Cytogenetic location: 3q12.3.
Variant type: single nucleotide variant.
Coding change: c.994G>T on transcript NM_014415.4 (MANE Select); coding-DNA position 994, G replaced by T.
Protein change: p.Asp332Tyr; replaces aspartic acid 332 with tyrosine.
Molecular consequence: missense variant.
Genome position (GRCh38, 1-based): chr3:101,665,593, C>A on the plus strand (G>T on the coding strand, the complement: ZBTB11 is on the minus strand). VCF-style: chr3-101665593-C-A. GRCh37 (hg19) VCF-style: chr3-101384437-C-A.
Other names: short protein forms D332Y.
Identifiers: ClinVar variation 1707341 (VCV001707341.2), dbSNP rs1936983562, ClinGen allele CA353880398.